The following is an entry in ClinVar:

NM_003384.3(VRK1):c.280_284del (p.Glu94fs)

Gene: VRK1 (VRK serine/threonine kinase 1; plus strand). Cytogenetic location: 14q32.2.
Variant type: Deletion.
Coding change: c.280_284del on transcript NM_003384.3 (MANE Select); coding-DNA positions 280 to 284, 5 bases deleted (GAGCA; older notation c.280_284delGAGCA).
Protein change: p.Glu94fs; shifts the reading frame from glutamic acid 94.
Molecular consequence: frameshift variant.
Genome position (GRCh38, 1-based): chr14:96,846,158-96,846,162, GAGCA deleted; deleting any 5 consecutive bases within chr14:96,846,156-96,846,162 gives the same sequence; the c. name uses the placement nearest the transcript's 3' end. VCF-style (leftmost placement, unchanged base first): chr14-96846155-CCAGAG-C. GRCh37 (hg19) VCF-style: chr14-97312492-CCAGAG-C.
Other names: c.280_284del, p.Glu94fs (NM_001411051.1, NM_001411053.1); short protein forms E94fs.
Identifiers: ClinVar variation 2739534 (VCV002739534.3), dbSNP rs2504164846, ClinGen allele CA2697554135.

ClinVar aggregate classification (germline): Pathogenic (1 of 4 stars; one submission).

Conditions:
Pontocerebellar hypoplasia type 1A (PCH1A). Also called: PONTOCEREBELLAR HYPOPLASIA WITH ANTERIOR HORN CELL DISEASE; PONTOCEREBELLAR HYPOPLASIA WITH INFANTILE SPINAL MUSCULAR ATROPHY. Identifiers: Orphanet 2254, Orphanet 88616, MedGen C1843504, MONDO:0011866, OMIM 607596.

Submission:

Labcorp Genetics (formerly Invitae), Labcorp
Classification: Pathogenic for Pontocerebellar hypoplasia type 1A. Last evaluated: 2023-07-09. Review status: criteria provided, single submitter. Criteria: Invitae Variant Classification Sherloc (09022015). Collection method: clinical testing. Allele origin: germline.
Comment: For these reasons, this variant has been classified as Pathogenic. This variant has not been reported in the literature in individuals affected with VRK1-related conditions. This variant is not present in population databases (gnomAD no frequency). This sequence change creates a premature translational stop signal (p.Glu94Asnfs*9) in the VRK1 gene. It is expected to result in an absent or disrupted protein product. Loss-of-function variants in VRK1 are known to be pathogenic (PMID: 19646678, 24126608, 27281532).

Literature cited by the submitters: PubMed 19646678; PubMed 24126608; PubMed 27281532.